The following is an entry in ClinVar:

NM_198253.3(TERT):c.2131-2A>G

Gene: TERT (telomerase reverse transcriptase; minus strand). Cytogenetic location: 5p15.33.
Variant type: single nucleotide variant.
Coding change: c.2131-2A>G on transcript NM_198253.3 (MANE Select); the canonical splice acceptor site of the intron before coding-DNA position 2131, A replaced by G.
Molecular consequence: splice acceptor variant.
Genome position (GRCh38, 1-based): chr5:1,278,798, T>C on the plus strand (A>G on the coding strand, the complement: TERT is on the minus strand). VCF-style: chr5-1278798-T-C. GRCh37 (hg19) VCF-style: chr5-1278913-T-C.
Other names: c.2131-2A>G (NM_001193376.3).
Identifiers: ClinVar variation 1686798 (VCV001686798.8), dbSNP rs1749799292, ClinGen allele CA359079789.
Genomic context (GRCh38, chr5:1,278,798, plus strand): 5'-GCGATGACCTCCGTGAGCCTGTCCTGGGGGATGGTGTCGTACGCGCCCGTCACATCCACC[T>C]GTGTGAGTGGAGGCGAGGAGACTGACAGTGGCCACGCAGAAACTCAGACATCACCTCTGC-3'

ClinVar aggregate classification (germline): Likely pathogenic. Review status: criteria provided, multiple submitters, no conflicts (2 of 4 stars). 3 submissions from 3 submitters: Likely pathogenic (3). Last evaluated 2025-03-24.

Conditions:
Pulmonary fibrosis and/or bone marrow failure, Telomere-related, 1. Also called: PULMONARY FIBROSIS AND/OR BONE MARROW FAILURE SYNDROME, TELOMERE-RELATED, 1. Identifiers: Orphanet 88, MedGen C3553617, MONDO:0013878, OMIM 614742.
Idiopathic Pulmonary Fibrosis. Also called: Idiopathic fibrosing alveolitis, chronic form; idiopathic fibrosing alveolitis. Identifiers: Orphanet 2032, MedGen C1800706, MeSH D054990, MONDO:0800504.
Dyskeratosis congenita, autosomal dominant 2. Identifiers: MedGen C3151443, MONDO:0013521, OMIM 613989.

Allele frequency attached by ClinVar (database versions not stated): TOPMed below 0.00001; gnomAD 0.00001.
gnomAD v4.1: 1 of 1,613,862 alleles (0.000062%); highest among the groups gnomAD compares: African/African-American, 0.0013%; no homozygotes.

Submissions (3):

GeneDx
Classification: Likely pathogenic. Last evaluated: 2025-03-24. Review status: criteria provided, single submitter. Criteria: GeneDx Variant Classification Process June 2021. Collection method: clinical testing. Allele origin: germline. Affected: yes.
Comment: Canonical splice site variant predicted to result in an in-frame loss of the adjacent exon in a gene for which loss of function is a known mechanism of disease; Not observed at significant frequency in large population cohorts (gnomAD); Has not been previously published as pathogenic or benign to our knowledge

Labcorp Genetics (formerly Invitae), Labcorp
Classification: Likely pathogenic for Dyskeratosis congenita, autosomal dominant 2; Idiopathic Pulmonary Fibrosis. Last evaluated: 2024-08-18. Review status: criteria provided, single submitter. Criteria: Invitae Variant Classification Sherloc (09022015). Collection method: clinical testing. Allele origin: germline.
Comment: This sequence change affects an acceptor splice site in intron 5 of the TERT gene. It is expected to disrupt RNA splicing. Variants that disrupt the donor or acceptor splice site typically lead to a loss of protein function (PMID: 16199547), and loss-of-function variants in TERT are known to be pathogenic (PMID: 16247010, 17460043). This variant is not present in population databases (gnomAD no frequency). This variant has not been reported in the literature in individuals affected with TERT-related conditions. ClinVar contains an entry for this variant (Variation ID: 1686798). Algorithms developed to predict the effect of sequence changes on RNA splicing suggest that this variant may disrupt the consensus splice site. In summary, the currently available evidence indicates that the variant is pathogenic, but additional data are needed to prove that conclusively. Therefore, this variant has been classified as Likely Pathogenic.

Garcia Pulmonary Genetics Research Laboratory, Columbia University Irving Medical Center
Classification: Likely pathogenic for Pulmonary fibrosis and/or bone marrow failure, Telomere-related, 1. Last evaluated: 2022-05-19. Review status: criteria provided, single submitter. Criteria: ACMG Guidelines, 2015. Collection method: research. Allele origin: germline. Affected: yes. Observed: 1 variant allele.

Literature cited by the submitters: PubMed 16199547 (cited by Labcorp Genetics (formerly Invitae), Labcorp); PubMed 16247010 (cited by Labcorp Genetics (formerly Invitae), Labcorp); PubMed 17460043 (cited by Labcorp Genetics (formerly Invitae), Labcorp).